The following is an entry in ClinVar:

ClinVar aggregate classification (germline): Likely benign. Review status: criteria provided, multiple submitters, no conflicts (2 of 4 stars). 2 submissions from 2 submitters: Likely benign (2). Last evaluated 2025-04-19.

Allele frequency attached by ClinVar (database versions not stated): gnomAD 0.00001; gnomAD exomes 0.00001; TOPMed 0.00003; ExAC 0.00005.
gnomAD v4.1: 12 of 1,520,380 alleles (0.00079%); highest among the groups gnomAD compares: African/African-American, 0.0028%; no homozygotes.

Submissions (2):

Labcorp Genetics (formerly Invitae), Labcorp
Classification: Likely benign. Last evaluated: 2025-04-19. Review status: criteria provided, single submitter. Criteria: Invitae Variant Classification Sherloc (09022015). Collection method: clinical testing. Allele origin: germline.

Laboratory for Molecular Medicine, Mass General Brigham Personalized Medicine
Classification: Likely benign. Last evaluated: 2016-06-21. Review status: criteria provided, single submitter. Criteria: LMM Criteria. Collection method: clinical testing. Allele origin: germline. Observed: 1 variant allele.
Comment: c.17594+8T>C in intron 81 of GPR98: This variant is not expected to have clinica l significance because it is not located within the splice consensus sequence. It has been identified in 1/2102 African chromosomes by the Exome Aggregation Co nsortium (ExAC; dbSNP rs772433066).

NM_032119.4(ADGRV1):c.17594+8T>C

Gene: ADGRV1 (adhesion G protein-coupled receptor V1; plus strand). Cytogenetic location: 5q14.3.
Variant type: single nucleotide variant.
Coding change: c.17594+8T>C on transcript NM_032119.4 (MANE Select); 8 bases into the intron after coding-DNA position 17594, T replaced by C.
Molecular consequence: intron variant.
Genome position (GRCh38, 1-based): chr5:90,854,209, T>C. VCF-style: chr5-90854209-T-C. GRCh37 (hg19) VCF-style: chr5-90150026-T-C.
Identifiers: ClinVar variation 505144 (VCV000505144.7), dbSNP rs772433066, ClinGen allele CA3342392.
Genomic context (GRCh38, chr5:90,854,209, plus strand): 5'-AGAATTATTCCTCAGACATCTCTGTGTCTCCTTTGGAATCAGGCTGCTGCAAGGTACTTA[T>C]TAATAAAATAAAAAAATCAGAATTTGGTCCTTCCCCATTTCGGTACCACTGAGCCTAATG-3'